The following is an entry in ClinVar:

ClinVar aggregate classification (germline): Benign (1 of 4 stars; one submission).

Allele frequency attached by ClinVar (database versions not stated): 1000 Genomes Project 0.31589; 1000 Genomes Project 30x 0.32324; TOPMed 0.37697; gnomAD 0.38541 and 0.38784.
gnomAD v4.1: 58,654 of 152,032 alleles (39%); highest among the groups gnomAD compares: Middle Eastern, 53%; 11,686 homozygotes.

Submission:

GeneDx
Classification: Benign. Last evaluated: 2018-06-14. Review status: criteria provided, single submitter. Criteria: GeneDx Variant Classification (06012015). Collection method: clinical testing. Allele origin: germline. Affected: yes.
Comment: This variant is considered likely benign or benign based on one or more of the following criteria: it is a conservative change, it occurs at a poorly conserved position in the protein, it is predicted to be benign by multiple in silico algorithms, and/or has population frequency not consistent with disease.

NM_004046.6(ATP5F1A):c.309+248A>G

Gene: ATP5F1A (ATP synthase F1 subunit alpha; minus strand). Cytogenetic location: 18q21.1.
Variant type: single nucleotide variant.
Coding change: c.309+248A>G on transcript NM_004046.6 (MANE Select); 248 bases into the intron after coding-DNA position 309, A replaced by G.
Molecular consequence: intron variant.
Genome position (GRCh38, 1-based): chr18:46,091,434, T>C on the plus strand (A>G on the coding strand, the complement: ATP5F1A is on the minus strand). VCF-style: chr18-46091434-T-C. GRCh37 (hg19) VCF-style: chr18-43671400-T-C.
Other names: c.309+248A>G (NM_001001937.2, NM_001257334.2); c.159+248A>G (NM_001001935.3, NM_001257335.2).
Identifiers: ClinVar variation 683323 (VCV000683323.1), dbSNP rs1800640, ClinGen allele CA15919087.